The following is an entry in ClinVar:

NM_000175.5(GPI):c.557A>G (p.Asn186Ser)

Gene: GPI (glucose-6-phosphate isomerase; plus strand). Cytogenetic location: 19q13.11.
Variant type: single nucleotide variant.
Coding change: c.557A>G on transcript NM_000175.5 (MANE Select); coding-DNA position 557, A replaced by G.
Protein change: p.Asn186Ser; replaces asparagine 186 with serine.
Molecular consequence: missense variant.
Genome position (GRCh38, 1-based): chr19:34,377,805, A>G. VCF-style: chr19-34377805-A-G. GRCh37 (hg19) VCF-style: chr19-34868710-A-G.
Other names: c.590A>G, p.Asn197Ser (NM_001184722.1); c.674A>G, p.Asn225Ser (NM_001289789.1); c.473A>G, p.Asn158Ser (NM_001289790.3); c.557A>G, p.Asn186Ser (NM_001329909.1, NM_001329910.1, NM_001329911.2); short protein forms N158S, N186S, N197S, N225S.
Identifiers: ClinVar variation 2664537 (VCV002664537.3), dbSNP rs765932960.

ClinVar aggregate classification (germline): Uncertain significance. Review status: criteria provided, single submitter (1 of 4 stars). 2 submissions from 2 submitters: Uncertain significance (1). 1 of the submissions does not count toward it. Last evaluated 2023-06-22.

Conditions:
Hemolytic anemia due to glucophosphate isomerase deficiency (CNSHA4). Also called: ANEMIA, CONGENITAL, NONSPHEROCYTIC HEMOLYTIC, 4. Identifiers: Orphanet 712, MedGen C0272064, MONDO:0013275, OMIM 613470.

Allele frequency attached by ClinVar (database versions not stated): gnomAD 0.00001; ExAC 0.00002; gnomAD exomes below 0.00001.
gnomAD v4.1: 7 of 1,613,970 alleles (0.00043%); highest among the groups gnomAD compares: South Asian, 0.0066%; no homozygotes.

Submissions (2):

Neuberg Centre For Genomic Medicine, NCGM
Classification: Uncertain significance for Hemolytic anemia due to glucophosphate isomerase deficiency. Last evaluated: 2023-06-22. Review status: criteria provided, single submitter. Criteria: ACMG Guidelines, 2015. Collection method: clinical testing. Allele origin: germline. Inheritance: Autosomal recessive inheritance. Affected: yes.
Comment: The observed missense c.557A>G(p.Asn186Ser) variant in GPI gene has not been reported previously as a pathogenic variant nor as a benign variant, to our knowledge. This variant is present with an allele frequency of 0.001% in gnomAD Exomes database. This variant has not been reported to the ClinVar database. Multiple lines of computational evidence (Polyphen - Probably Damaging, SIFT - Damaging and MutationTaster - Disease causing) predict damaging effect on protein structure and function for this variant. The reference amino acid in GPI is predicted as conserved by GERP++ and PhyloP across 100 vertebrates. The amino acid Asn at position 186 is changed to a Ser changing protein sequence and it might alter its composition and physico-chemical properties. For these reasons, this variant has been classified as Uncertain Significance (VUS).

Genetics and Genomic Medicine Centre, NeuroGen Healthcare, NeuroGen Healthcare
Classification: Uncertain significance. Last evaluated: 2021-08-04. Review status: no assertion criteria provided. Collection method: clinical testing. Allele origin: unknown. Affected: yes. Not counted in ClinVar's aggregate classification.